The following is an entry in ClinVar:

ClinVar aggregate classification (germline): Uncertain significance (0 of 4 stars; one submission).

Submission:

Department of Pathology and Laboratory Medicine, Sinai Health System
Classification: Uncertain significance. Review status: no assertion criteria provided. Collection method: clinical testing. Allele origin: unknown. Affected: yes. Study: The Canadian Open Genetics Repository (COGR).
Comment: The PLEC p.Leu752Pro variant was not identified in the literature nor was it identified in dbSNP, ClinVar, Cosmic or LOVD 3.0 databases. The variant was also not identified in the following control databases: the 1000 Genomes Project, the NHLBI GO Exome Sequencing Project, the Exome Aggregation Consortium (August 8th 2016), or the Genome Aggregation Database (Feb 27, 2017). The variant occurs outside of the splicing consensus sequence and in silico or computational prediction software programs (SpliceSiteFinder, MaxEntScan, NNSPLICE, GeneSplicer) do not predict a difference in splicing. The p.Leu752 residue is conserved across mammals and other organisms, and computational analyses (PolyPhen-2, SIFT, AlignGVGD, BLOSUM, MutationTaster) suggest that the variant may impact the protein; however, this information is not predictive enough to assume pathogenicity. In summary, based on the above information the clinical significance of this variant cannot be determined with certainty at this time. This variant is classified as a variant of uncertain significance.

NM_201384.3(PLEC):c.1844T>C (p.Leu615Pro)

Gene: PLEC (plectin; minus strand). Cytogenetic location: 8q24.3.
Variant type: single nucleotide variant.
Coding change: c.1844T>C on transcript NM_201384.3 (MANE Select); coding-DNA position 1844, T replaced by C.
Protein change: p.Leu615Pro; replaces leucine 615 with proline.
Molecular consequence: missense variant.
Genome position (GRCh38, 1-based): chr8:143,932,533, A>G on the plus strand (T>C on the coding strand, the complement: PLEC is on the minus strand). VCF-style: chr8-143932533-A-G. GRCh37 (hg19) VCF-style: chr8-145006701-A-G.
Other names: c.1925T>C, p.Leu642Pro (NM_000445.5); c.1802T>C, p.Leu601Pro (NM_201378.4); c.1778T>C, p.Leu593Pro (NM_201379.3); c.2255T>C, p.Leu752Pro (NM_201380.4); c.1748T>C, p.Leu583Pro (NM_201381.3); c.1844T>C, p.Leu615Pro (NM_201382.4); c.1856T>C, p.Leu619Pro (NM_201383.3); short protein forms L583P, L593P, L601P, L615P, L619P, L642P, L752P.
Identifiers: ClinVar variation 1050326 (VCV001050326.1), dbSNP rs2131908618, ClinGen allele CA372578607.